The following is an entry in ClinVar:

NM_003922.4(HERC1):c.10360G>A (p.Val3454Ile)

Gene: HERC1 (HECT and RLD domain containing E3 ubiquitin protein ligase family member 1; minus strand). Cytogenetic location: 15q22.31.
Variant type: single nucleotide variant.
Coding change: c.10360G>A on transcript NM_003922.4 (MANE Select); coding-DNA position 10360, G replaced by A.
Protein change: p.Val3454Ile; replaces valine 3454 with isoleucine.
Molecular consequence: missense variant.
Genome position (GRCh38, 1-based): chr15:63,652,472, C>T on the plus strand (G>A on the coding strand, the complement: HERC1 is on the minus strand). VCF-style: chr15-63652472-C-T. GRCh37 (hg19) VCF-style: chr15-63944671-C-T.
Other names: c.10360G>A (NM_003922.3); short protein forms V3454I.
Identifiers: ClinVar variation 1913066 (VCV001913066.6), dbSNP rs373098342, ClinGen allele CA7604492.

ClinVar aggregate classification (germline): Uncertain significance. Review status: criteria provided, multiple submitters, no conflicts (2 of 4 stars). 2 submissions from 2 submitters: Uncertain significance (2). Last evaluated 2025-11-26.

Conditions:
Inborn genetic diseases. Identifiers: MedGen C0950123, MeSH D030342.

Allele frequency attached by ClinVar (database versions not stated): gnomAD 0.00002; TOPMed 0.00003.
gnomAD v4.1: 44 of 1,611,126 alleles (0.0027%); highest among the groups gnomAD compares: East Asian, 0.013%; no homozygotes.

Submissions (2):

Ambry Genetics
Classification: Uncertain significance for Inborn genetic diseases. Last evaluated: 2025-11-26. Review status: criteria provided, single submitter. Criteria: Ambry Variant Classification Scheme 2023. Collection method: clinical testing. Allele origin: germline.

Labcorp Genetics (formerly Invitae), Labcorp
Classification: Uncertain significance. Last evaluated: 2023-06-29. Review status: criteria provided, single submitter. Criteria: Invitae Variant Classification Sherloc (09022015). Collection method: clinical testing. Allele origin: germline.
Comment: Advanced modeling of protein sequence and biophysical properties (such as structural, functional, and spatial information, amino acid conservation, physicochemical variation, residue mobility, and thermodynamic stability) performed at Invitae indicates that this missense variant is not expected to disrupt HERC1 protein function. In summary, the available evidence is currently insufficient to determine the role of this variant in disease. Therefore, it has been classified as a Variant of Uncertain Significance. ClinVar contains an entry for this variant (Variation ID: 1913066). This variant has not been reported in the literature in individuals affected with HERC1-related conditions. This variant is present in population databases (rs373098342, gnomAD 0.02%). This sequence change replaces valine, which is neutral and non-polar, with isoleucine, which is neutral and non-polar, at codon 3454 of the HERC1 protein (p.Val3454Ile).